The following is an entry in ClinVar:

ClinVar aggregate classification (germline): Benign/Likely benign. Review status: criteria provided, multiple submitters, no conflicts (2 of 4 stars). 4 submissions from 4 submitters: Benign (1); Likely benign (2). 1 of the submissions does not count toward it. Last evaluated 2023-04-11.

Conditions:
Inborn genetic diseases. Identifiers: MedGen C0950123, MeSH D030342.
Intellectual disability-microcephaly-strabismus-behavioral abnormalities syndrome. Also called: White-Sutton Syndrome. Identifiers: Orphanet 468678, MedGen C4225351, MONDO:0014606, OMIM 616364.
POGZ-related disorder. Also called: POGZ-related condition.

Allele frequency attached by ClinVar (database versions not stated): gnomAD 0.00001 and 0.00003; gnomAD exomes 0.00001 and 0.00010; TOPMed 0.00002; ExAC 0.00013; 1000 Genomes Project 30x 0.00031; 1000 Genomes Project 0.00040.
gnomAD v4.1: 21 of 1,538,998 alleles (0.0014%); highest among the groups gnomAD compares: Admixed American, 0.04%; no homozygotes.

Submissions (4):

Genome-Nilou Lab
Classification: Likely benign for Intellectual disability-microcephaly-strabismus-behavioral abnormalities syndrome. Last evaluated: 2023-04-11. Review status: criteria provided, single submitter. Criteria: ACMG Guidelines, 2015. Collection method: clinical testing. Allele origin: germline. Affected: no.

GeneDx
Classification: Benign. Last evaluated: 2021-09-22. Review status: criteria provided, single submitter. Criteria: GeneDx Variant Classification Process June 2021. Collection method: clinical testing. Allele origin: germline. Affected: yes.

Ambry Genetics
Classification: Likely benign for Inborn genetic diseases. Last evaluated: 2017-03-23. Review status: criteria provided, single submitter. Criteria: Ambry Variant Classification Scheme 2023. Collection method: clinical testing. Allele origin: germline.

PreventionGenetics, part of Exact Sciences
Classification: Likely benign for POGZ-related condition. Last evaluated: 2021-09-01. Review status: no assertion criteria provided. Collection method: clinical testing. Allele origin: germline. Not counted in ClinVar's aggregate classification.
Comment: This variant is classified as likely benign based on ACMG/AMP sequence variant interpretation guidelines (Richards et al. 2015 PMID: 25741868, with internal and published modifications).

NM_015100.4(POGZ):c.1186-4A>G

Gene: POGZ (pogo transposable element derived with ZNF domain; minus strand). Cytogenetic location: 1q21.3.
Variant type: single nucleotide variant.
Coding change: c.1186-4A>G on transcript NM_015100.4 (MANE Select); 4 bases into the intron before coding-DNA position 1186, A replaced by G.
Molecular consequence: intron variant.
Genome position (GRCh38, 1-based): chr1:151,424,290, T>C on the plus strand (A>G on the coding strand, the complement: POGZ is on the minus strand). VCF-style: chr1-151424290-T-C. GRCh37 (hg19) VCF-style: chr1-151396766-T-C.
Other names: c.1000-4A>G (NM_001194938.2); c.901-4A>G (NM_145796.4); c.1159-4A>G (NM_001194937.2); c.1027-4A>G (NM_207171.2).
Identifiers: ClinVar variation 589461 (VCV000589461.9), dbSNP rs201321619, ClinGen allele CA1091475.